The following is an entry in ClinVar:

NM_024757.5(EHMT1):c.200C>A (p.Ala67Glu)

Gene: EHMT1 (euchromatic histone lysine methyltransferase 1; plus strand). Cytogenetic location: 9q34.3.
Variant type: single nucleotide variant.
Coding change: c.200C>A on transcript NM_024757.5 (MANE Select); coding-DNA position 200, C replaced by A.
Protein change: p.Ala67Glu; replaces alanine 67 with glutamic acid.
Molecular consequence: missense variant.
Genome position (GRCh38, 1-based): chr9:137,716,740, C>A. VCF-style: chr9-137716740-C-A. GRCh37 (hg19) VCF-style: chr9-140611192-C-A.
Other names: c.200C>A, p.Ala67Glu (NM_001145527.2, NM_001354263.2, NM_001354611.2); c.107C>A, p.Ala36Glu (NM_001354259.2, NM_001354612.2); short protein forms A36E, A67E.
Identifiers: ClinVar variation 3257295 (VCV003257295.17).

ClinVar aggregate classification (germline): Likely benign (1 of 4 stars; one submission).

gnomAD v4.1: 16 of 1,612,622 alleles (0.00099%); highest among the groups gnomAD compares: Non-Finnish European, 0.0013%; no homozygotes.

Submission:

CeGaT Center for Human Genetics Tuebingen
Classification: Likely benign. Last evaluated: 2024-08-01. Review status: criteria provided, single submitter. Criteria: CeGaT Center For Human Genetics Tuebingen Variant Classification Criteria Version 2. Collection method: clinical testing. Allele origin: germline. Affected: yes. Observed: 2 variant alleles.
Comment: EHMT1: BP4, BS2